The following is an entry in ClinVar:

NM_006949.4(STXBP2):c.1648G>A (p.Ala550Thr)

Gene: STXBP2 (syntaxin binding protein 2; plus strand). Cytogenetic location: 19p13.2.
Variant type: single nucleotide variant.
Coding change: c.1648G>A on transcript NM_006949.4 (MANE Select); coding-DNA position 1648, G replaced by A.
Protein change: p.Ala550Thr; replaces alanine 550 with threonine.
Molecular consequence: missense variant. On other transcripts: non-coding transcript variant (1).
Genome position (GRCh38, 1-based): chr19:7,647,463, G>A. VCF-style: chr19-7647463-G-A. GRCh37 (hg19) VCF-style: chr19-7712349-G-A.
Other names: c.1639G>A, p.Ala547Thr (NM_001127396.3); c.1681G>A, p.Ala561Thr (NM_001272034.2); short protein forms A550T, A561T, A547T.
Identifiers: ClinVar variation 565511 (VCV000565511.9), dbSNP rs759514227, ClinGen allele CA9144281.

ClinVar aggregate classification (germline): Uncertain significance (1 of 4 stars; one submission).

Conditions:
Familial hemophagocytic lymphohistiocytosis 5. Also called: STXBP2-Related Familial Hemophagocytic Lymphohistiocytosis (STXBP2-fHLH). Identifiers: Orphanet 540, MedGen C2751293, MONDO:0013135, OMIM 613101.

Allele frequency attached by ClinVar (database versions not stated): gnomAD 0.00001; TOPMed 0.00002; gnomAD exomes 0.00003; ExAC 0.00005.

Submission:

Labcorp Genetics (formerly Invitae), Labcorp
Classification: Uncertain significance for Familial hemophagocytic lymphohistiocytosis 5. Last evaluated: 2024-10-24. Review status: criteria provided, single submitter. Criteria: Invitae Variant Classification Sherloc (09022015). Collection method: clinical testing. Allele origin: germline.
Comment: This sequence change replaces alanine, which is neutral and non-polar, with threonine, which is neutral and polar, at codon 550 of the STXBP2 protein (p.Ala550Thr). This variant is present in population databases (rs759514227, gnomAD 0.01%). This variant has not been reported in the literature in individuals affected with STXBP2-related conditions. ClinVar contains an entry for this variant (Variation ID: 565511). Invitae Evidence Modeling of protein sequence and biophysical properties (such as structural, functional, and spatial information, amino acid conservation, physicochemical variation, residue mobility, and thermodynamic stability) has been performed for this missense variant. However, the output from this modeling did not meet the statistical confidence thresholds required to predict the impact of this variant on STXBP2 protein function. In summary, the available evidence is currently insufficient to determine the role of this variant in disease. Therefore, it has been classified as a Variant of Uncertain Significance.